The following is an entry in ClinVar:

NM_015474.4(SAMHD1):c.1389del (p.Gly464fs)

Gene: SAMHD1 (SAM and HD domain containing deoxynucleoside triphosphate triphosphohydrolase 1; minus strand). Cytogenetic location: 20q11.23.
Variant type: Deletion.
Coding change: c.1389del on transcript NM_015474.4 (MANE Select); coding-DNA position 1389, one base deleted (A; older notation c.1389delA).
Protein change: p.Gly464fs; shifts the reading frame from glycine 464.
Molecular consequence: frameshift variant.
Genome position (GRCh38, 1-based): chr20:36,905,385, T deleted on the plus strand (A on the coding strand, the reverse complement: SAMHD1 is on the minus strand). VCF-style (leftmost placement, unchanged base first): chr20-36905384-CT-C. GRCh37 (hg19) VCF-style: chr20-35533787-CT-C.
Other names: c.1389del, p.Gly464fs (NM_001363729.2, NM_001363733.2); short protein forms G464fs.
Identifiers: ClinVar variation 2744478 (VCV002744478.3), dbSNP rs2515228923, ClinGen allele CA2697547389.
Genomic context (GRCh38, chr20:36,905,384, plus strand): 5'-AGATAACCTTTCACTAATGGAAAGATGCCTGATAACTCACCCTTTTAATCTTTATTTGTC[CT>C]GTTGGCTGCGTCTCACCCACATACTTGAATAGATTACGGTATTCAATTTGTTTTAAAATC-3'

ClinVar aggregate classification (germline): Pathogenic (1 of 4 stars; one submission).

Conditions:
Aicardi-Goutieres syndrome 5. Identifiers: Orphanet 51, MedGen C2749659, MONDO:0013059, OMIM 612952.

Submission:

Labcorp Genetics (formerly Invitae), Labcorp
Classification: Pathogenic for Aicardi-Goutieres syndrome 5. Last evaluated: 2023-07-17. Review status: criteria provided, single submitter. Criteria: Invitae Variant Classification Sherloc (09022015). Collection method: clinical testing. Allele origin: germline.
Comment: For these reasons, this variant has been classified as Pathogenic. This variant has not been reported in the literature in individuals affected with SAMHD1-related conditions. This variant is not present in population databases (gnomAD no frequency). This sequence change creates a premature translational stop signal (p.Gly464Aspfs*3) in the SAMHD1 gene. It is expected to result in an absent or disrupted protein product. Loss-of-function variants in SAMHD1 are known to be pathogenic (PMID: 19525956, 22461318).

Literature cited by the submitters: PubMed 19525956; PubMed 22461318.